The following is an entry in ClinVar:

NM_005475.3(SH2B3):c.662G>T (p.Arg221Met)

Gene: SH2B3 (SH2B adaptor protein 3; plus strand). Cytogenetic location: 12q24.12.
Variant type: single nucleotide variant.
Coding change: c.662G>T on transcript NM_005475.3 (MANE Select); coding-DNA position 662, G replaced by T.
Protein change: p.Arg221Met; replaces arginine 221 with methionine.
Molecular consequence: missense variant.
Genome position (GRCh38, 1-based): chr12:111,418,807, G>T. VCF-style: chr12-111418807-G-T. GRCh37 (hg19) VCF-style: chr12-111856611-G-T.
Other names: short protein forms R221M.
Identifiers: ClinVar variation 2920817 (VCV002920817.2), dbSNP rs770789973, ClinGen allele CA243602900.

ClinVar aggregate classification (germline): Uncertain significance. Review status: criteria provided, multiple submitters, no conflicts (2 of 4 stars). 2 submissions from 2 submitters: Uncertain significance (2). Last evaluated 2024-12-08.

Conditions:
Inborn genetic diseases. Identifiers: MedGen C0950123, MeSH D030342.

Allele frequency attached by ClinVar (database versions not stated): gnomAD 0.00001.
gnomAD v4.1: 9 of 1,441,178 alleles (0.00062%); highest among the groups gnomAD compares: Non-Finnish European, 0.00072%; no homozygotes.

Submissions (2):

Ambry Genetics
Classification: Uncertain significance for Inborn genetic diseases. Last evaluated: 2024-12-08. Review status: criteria provided, single submitter. Criteria: Ambry Variant Classification Scheme 2023. Collection method: clinical testing. Allele origin: germline.
Comment: The p.R221M variant (also known as c.662G>T), located in coding exon 1 of the SH2B3 gene, results from a G to T substitution at nucleotide position 662. The arginine at codon 221 is replaced by methionine, an amino acid with similar properties. This amino acid position is conserved. In addition, the in silico prediction for this alteration is inconclusive. Based on the available evidence, the clinical significance of this variant remains unclear.

ARUP Laboratories, Molecular Genetics and Genomics, ARUP Laboratories
Classification: Uncertain significance. Last evaluated: 2023-10-24. Review status: criteria provided, single submitter. Criteria: ARUP Molecular Germline Variant Investigation Process 2024. Collection method: clinical testing. Allele origin: germline.